The following is an entry in ClinVar:

NM_138420.4(AHNAK2):c.5352G>T (p.Val1784=)

Gene: AHNAK2 (AHNAK nucleoprotein 2; minus strand). Cytogenetic location: 14q32.33.
Variant type: single nucleotide variant.
Coding change: c.5352G>T on transcript NM_138420.4 (MANE Select); coding-DNA position 5352, G replaced by T.
Protein change: p.Val1784=; no amino-acid change (valine 1784 retained).
Molecular consequence: synonymous variant.
Genome position (GRCh38, 1-based): chr14:104,950,099, C>A on the plus strand (G>T on the coding strand, the complement: AHNAK2 is on the minus strand). VCF-style: chr14-104950099-C-A. GRCh37 (hg19) VCF-style: chr14-105416436-C-A.
Other names: c.5052G>T, p.Val1684= (NM_001350929.2).
Identifiers: ClinVar variation 4873327 (VCV004873327.2).

ClinVar aggregate classification (germline): Likely benign (1 of 4 stars; one submission).

Submission:

CeGaT Center for Human Genetics Tuebingen
Classification: Likely benign. Last evaluated: 2026-04-01. Review status: criteria provided, single submitter. Criteria: CeGaT Center For Human Genetics Tuebingen Variant Classification Criteria Version 2. Collection method: clinical testing. Allele origin: germline. Affected: yes. Observed: 1 variant allele.
Comment: AHNAK2: BP4, BP7